The following is an entry in ClinVar:

ClinVar aggregate classification (germline): Uncertain significance (1 of 4 stars; one submission).

Submission:

Labcorp Genetics (formerly Invitae), Labcorp
Classification: Uncertain significance. Last evaluated: 2024-04-10. Review status: criteria provided, single submitter. Criteria: Invitae Variant Classification Sherloc (09022015). Collection method: clinical testing. Allele origin: germline.
Comment: This sequence change replaces proline, which is neutral and non-polar, with serine, which is neutral and polar, at codon 327 of the MESP2 protein (p.Pro327Ser). This variant is present in population databases (no rsID available, gnomAD 0.006%). This variant has not been reported in the literature in individuals affected with MESP2-related conditions. Advanced modeling of protein sequence and biophysical properties (such as structural, functional, and spatial information, amino acid conservation, physicochemical variation, residue mobility, and thermodynamic stability) performed at Invitae indicates that this missense variant is not expected to disrupt MESP2 protein function with a negative predictive value of 80%. In summary, the available evidence is currently insufficient to determine the role of this variant in disease. Therefore, it has been classified as a Variant of Uncertain Significance.

NM_001039958.2(MESP2):c.979C>T (p.Pro327Ser)

Gene: MESP2 (mesoderm posterior bHLH transcription factor 2; plus strand). Cytogenetic location: 15q26.1.
Variant type: single nucleotide variant.
Coding change: c.979C>T on transcript NM_001039958.2 (MANE Select); coding-DNA position 979, C replaced by T.
Protein change: p.Pro327Ser; replaces proline 327 with serine.
Molecular consequence: missense variant.
Genome position (GRCh38, 1-based): chr15:89,778,119, C>T. VCF-style: chr15-89778119-C-T. GRCh37 (hg19) VCF-style: chr15-90321350-C-T.
Other names: short protein forms P327S.
Identifiers: ClinVar variation 3705123 (VCV003705123.2).